The following is an entry in ClinVar:

NM_000152.5(GAA):c.1232G>A (p.Arg411Gln)

Gene: GAA (alpha glucosidase; plus strand). Cytogenetic location: 17q25.3.
Variant type: single nucleotide variant.
Coding change: c.1232G>A on transcript NM_000152.5 (MANE Select); coding-DNA position 1232, G replaced by A.
Protein change: p.Arg411Gln; replaces arginine 411 with glutamine.
Molecular consequence: missense variant.
Genome position (GRCh38, 1-based): chr17:80,108,734, G>A. VCF-style: chr17-80108734-G-A. GRCh37 (hg19) VCF-style: chr17-78082533-G-A.
Other names: c.1232G>A (NM_000152.4, LRG_673t1); c.1232G>A, p.Arg411Gln (NM_001079803.3, NM_001079804.3); short protein forms R411Q.
Identifiers: ClinVar variation 657459 (VCV000657459.16), dbSNP rs372799904, ClinGen allele CA8815241.

ClinVar aggregate classification (germline): Conflicting classifications of pathogenicity. Review status: criteria provided, conflicting classifications (1 of 4 stars). 7 submissions from 7 submitters: Uncertain significance (4); Likely benign (1). 2 of the submissions do not count toward it. Last evaluated 2026-07-01.

Conditions:
GAA-related disorder. Also called: GAA-related condition.
Glycogen storage disease, type II (IOPD). Also called: Pompe Disease; CARDIOMEGALIA GLYCOGENICA DIFFUSA; GLYCOGENOSIS, GENERALIZED, CARDIAC FORM; GSD II; POMPE DISEASE, INFANTILE-ONSET; GLYCOGEN STORAGE DISEASE II, INFANTILE-ONSET. Identifiers: Orphanet 365, MedGen C0017921, MONDO:0009290, OMIM 232300.

Allele frequency attached by ClinVar (database versions not stated): gnomAD exomes 0.00003 and 0.00005; ExAC 0.00007; TOPMed 0.00014; ESP Exome Variant Server 0.00015; gnomAD 0.00015 and 0.00018.
gnomAD v4.1: 66 of 1,612,204 alleles (0.0041%); highest among the groups gnomAD compares: African/African-American, 0.051%; no homozygotes.

Submissions (7):

Genomenon, Inc
Classification: Uncertain significance for Glycogen storage disease, type II. Last evaluated: 2026-07-01. Review status: criteria provided, single submitter. Criteria: Genomenon Sequence Variant Interpretation Standards - Updated. Collection method: curation. Allele origin: germline. Affected: no.
Comment: GAA p.Arg411Gln (c.1232G>A) is a missense variant that changes the amino acid at codon 411 from Arginine to Glutamine. This variant has been reported in the published literature (PMID:30281819). It is absent or not present at a significant frequency in gnomAD. In silico models predict that this variant is not damaging. In conclusion, we classify GAA p.Arg411Gln (c.1232G>A) as a variant of uncertain significance.

Labcorp Genetics (formerly Invitae), Labcorp
Classification: Likely benign for Glycogen storage disease, type II. Last evaluated: 2025-12-21. Review status: criteria provided, single submitter. Criteria: Invitae Variant Classification Sherloc (09022015). Collection method: clinical testing. Allele origin: germline.

GeneDx
Classification: Uncertain significance. Last evaluated: 2024-05-06. Review status: criteria provided, single submitter. Criteria: GeneDx Variant Classification Process June 2021. Collection method: clinical testing. Allele origin: germline. Affected: yes.
Comment: In silico analysis indicates that this missense variant does not alter protein structure/function; Has not been previously published as pathogenic or benign to our knowledge; This variant is associated with the following publications: (PMID: 19343043, 22253258)

Fulgent Genetics
Classification: Uncertain significance for Glycogen storage disease, type II. Last evaluated: 2021-07-29. Review status: criteria provided, single submitter. Criteria: ACMG Guidelines, 2015. Collection method: clinical testing. Allele origin: unknown.

Revvity Omics, Revvity
Classification: Uncertain significance. Last evaluated: 2021-05-29. Review status: criteria provided, single submitter. Criteria: ACMG Guidelines, 2015. Collection method: clinical testing. Allele origin: germline.

PreventionGenetics, part of Exact Sciences
Classification: Uncertain significance for GAA-related condition. Last evaluated: 2024-02-07. Review status: no assertion criteria provided. Collection method: clinical testing. Allele origin: germline. Not counted in ClinVar's aggregate classification.
Comment: The GAA c.1232G>A variant is predicted to result in the amino acid substitution p.Arg411Gln. To our knowledge, this variant has not been reported in the literature. This variant is reported in 0.049% of alleles in individuals of African descent in gnomAD. At this time, the clinical significance of this variant is uncertain due to the absence of conclusive functional and genetic evidence.

Natera, Inc.
Classification: Uncertain significance for Glycogen storage disease type II. Last evaluated: 2020-09-16. Review status: no assertion criteria provided. Collection method: clinical testing. Allele origin: germline. Not counted in ClinVar's aggregate classification.

Literature cited by the submitters: PubMed 30281819 (cited by Genomenon, Inc).